The following is an entry in ClinVar:

ClinVar aggregate classification (germline): Uncertain significance (1 of 4 stars; one submission).

Conditions:
Hyperaldosteronism, familial, type IV (HALD4). Also called: FH IV; ALDOSTERONISM, PRIMARY, AND HYPERTENSION. Identifiers: Orphanet 642671, MedGen C4310756, MONDO:0014875, OMIM 617027.
Idiopathic generalized epilepsy. Also called: EIG; Generalised epilepsy. Identifiers: MedGen C0270850, MONDO:0005579, OMIM 600669.

Submission:

Labcorp Genetics (formerly Invitae), Labcorp
Classification: Uncertain significance for Idiopathic generalized epilepsy; Hyperaldosteronism, familial, type IV. Last evaluated: 2022-11-30. Review status: criteria provided, single submitter. Criteria: Invitae Variant Classification Sherloc (09022015). Collection method: clinical testing. Allele origin: germline.
Comment: In summary, the available evidence is currently insufficient to determine the role of this variant in disease. Therefore, it has been classified as a Variant of Uncertain Significance. Advanced modeling of protein sequence and biophysical properties (such as structural, functional, and spatial information, amino acid conservation, physicochemical variation, residue mobility, and thermodynamic stability) performed at Invitae indicates that this missense variant is not expected to disrupt CACNA1H protein function. This variant has not been reported in the literature in individuals affected with CACNA1H-related conditions. This variant is not present in population databases (gnomAD no frequency). This sequence change replaces glycine, which is neutral and non-polar, with aspartic acid, which is acidic and polar, at codon 2211 of the CACNA1H protein (p.Gly2211Asp).

NM_021098.3(CACNA1H):c.6632G>A (p.Gly2211Asp)

Gene: CACNA1H (calcium voltage-gated channel subunit alpha1 H; plus strand). Cytogenetic location: 16p13.3.
Variant type: single nucleotide variant.
Coding change: c.6632G>A on transcript NM_021098.3 (MANE Select); coding-DNA position 6632, G replaced by A.
Protein change: p.Gly2211Asp; replaces glycine 2211 with aspartic acid.
Molecular consequence: missense variant.
Genome position (GRCh38, 1-based): chr16:1,220,564, G>A. VCF-style: chr16-1220564-G-A. GRCh37 (hg19) VCF-style: chr16-1270564-G-A.
Other names: c.6614G>A, p.Gly2205Asp (NM_001005407.2); short protein forms G2205D, G2211D.
Identifiers: ClinVar variation 1983655 (VCV001983655.4), dbSNP rs2548738500, ClinGen allele CA394150097.
Genomic context (GRCh38, chr16:1,220,564, plus strand): 5'-GCATCTCGGTGGAACCCCCTGCGGAGGACGAGGGCTCTGCGCGGCCCTCCGCGGCAGAGG[G>A]CGGCAGCACCACACTGAGGCGCAGGACCCCGTCCTGTGAGGCCACGCCTCACAGGGACTC-3'
Protein context (NP_066921.2, residues 2201-2221): EGSARPSAAE[Gly2211Asp]GSTTLRRRTP